The following is an entry in ClinVar:

ClinVar aggregate classification (germline): Uncertain significance. Review status: criteria provided, single submitter (1 of 4 stars). 2 submissions from 2 submitters: Uncertain significance (1). 1 of the submissions does not count toward it. Last evaluated 2021-08-30.

Conditions:
Nemaline myopathy 2 (NEM2). Also called: Nemaline myopathy 2, autosomal recessive. Identifiers: MedGen C1850569, MONDO:0009725, OMIM 256030.

gnomAD v4.1: 5 of 1,613,626 alleles (0.00031%); highest among the groups gnomAD compares: Non-Finnish European, 0.00042%; no homozygotes.

Submissions (2):

Labcorp Genetics (formerly Invitae), Labcorp
Classification: Uncertain significance for Nemaline myopathy 2. Last evaluated: 2021-08-30. Review status: criteria provided, single submitter. Criteria: Invitae Variant Classification Sherloc (09022015). Collection method: clinical testing. Allele origin: germline.
Comment: This sequence change replaces proline with leucine at codon 1939 of the NEB protein (p.Pro1939Leu). The proline residue is moderately conserved and there is a moderate physicochemical difference between proline and leucine. This variant is not present in population databases (ExAC no frequency). This variant has not been reported in the literature in individuals affected with NEB-related conditions. Algorithms developed to predict the effect of missense changes on protein structure and function are either unavailable or do not agree on the potential impact of this missense change (SIFT: "Deleterious"; PolyPhen-2: "Not Available"; Align-GVGD: "Class C0"). In summary, the available evidence is currently insufficient to determine the role of this variant in disease. Therefore, it has been classified as a Variant of Uncertain Significance.

Natera, Inc.
Classification: Uncertain significance for Nemaline myopathy type 2. Last evaluated: 2020-10-29. Review status: no assertion criteria provided. Collection method: clinical testing. Allele origin: germline. Not counted in ClinVar's aggregate classification.

NM_001164508.2(NEB):c.5816C>T (p.Pro1939Leu)

Gene: NEB (nebulin; minus strand). Cytogenetic location: 2q23.3.
Variant type: single nucleotide variant.
Coding change: c.5816C>T on transcript NM_001164508.2 (MANE Select); coding-DNA position 5816, C replaced by T.
Protein change: p.Pro1939Leu; replaces proline 1939 with leucine.
Molecular consequence: missense variant.
Genome position (GRCh38, 1-based): chr2:151,662,289, G>A on the plus strand (C>T on the coding strand, the complement: NEB is on the minus strand). VCF-style: chr2-151662289-G-A. GRCh37 (hg19) VCF-style: chr2-152518803-G-A.
Other names: c.5816C>T, p.Pro1939Leu (NM_001164507.2, NM_001271208.2, NM_004543.5); short protein forms P1939L.
Identifiers: ClinVar variation 944900 (VCV000944900.8), dbSNP rs1486289467, ClinGen allele CA348806520.
Genomic context (GRCh38, chr2:151,662,289, plus strand): 5'-TTCTTTTCACTAATAATCTCCATGGCTTTCTTGTTTTTCTCTGCTTCCAGGGAGCCCAGA[G>A]GGAGCCATCCAATGCCCTTCATGAAGTCAGCATAGTCAGCCTTGTACTGATTCTGCAAAA-3'
Protein context (NP_001157980.2, residues 1929-1949): ADFMKGIGWL[Pro1939Leu]LGSLEAEKNK